The following is an entry in ClinVar:

NM_000352.6(ABCC8):c.1836G>T (p.Glu612Asp)

Gene: ABCC8 (ATP binding cassette subfamily C member 8; minus strand). Cytogenetic location: 11p15.1.
Variant type: single nucleotide variant.
Coding change: c.1836G>T on transcript NM_000352.6 (MANE Select); coding-DNA position 1836, G replaced by T.
Protein change: p.Glu612Asp; replaces glutamic acid 612 with aspartic acid.
Molecular consequence: missense variant. On other transcripts: non-coding transcript variant (1).
Genome position (GRCh38, 1-based): chr11:17,428,652, C>A on the plus strand (G>T on the coding strand, the complement: ABCC8 is on the minus strand). VCF-style: chr11-17428652-C-A. GRCh37 (hg19) VCF-style: chr11-17450199-C-A.
Other names: c.1836G>T, p.Glu612Asp (NM_001287174.3, NM_001351295.2); c.1833G>T, p.Glu611Asp (NM_001351296.2, NM_001351297.2); short protein forms E611D, E612D.
Identifiers: ClinVar variation 3771136 (VCV003771136.14).

ClinVar aggregate classification (germline): Uncertain significance. Review status: criteria provided, multiple submitters, no conflicts (2 of 4 stars). 2 submissions from 2 submitters: Uncertain significance (2). Last evaluated 2025-02-01.

gnomAD v4.1: 10 of 1,613,552 alleles (0.00062%); highest among the groups gnomAD compares: Middle Eastern, 0.033%; no homozygotes.

Submissions (2):

CeGaT Center for Human Genetics Tuebingen
Classification: Uncertain significance. Last evaluated: 2025-02-01. Review status: criteria provided, single submitter. Criteria: CeGaT Center For Human Genetics Tuebingen Variant Classification Criteria Version 2. Collection method: clinical testing. Allele origin: germline. Affected: yes. Observed: 1 variant allele.
Comment: ABCC8: PP3

Blueprint Genetics
Classification: Uncertain significance. Last evaluated: 2023-10-09. Review status: criteria provided, single submitter. Criteria: ACMG Guidelines, 2015. Collection method: clinical testing. Allele origin: germline.